The following is an entry in ClinVar:

NM_000388.4(CASR):c.2513T>C (p.Val838Ala)

Gene: CASR (calcium sensing receptor; plus strand). Cytogenetic location: 3q21.1.
Variant type: single nucleotide variant.
Coding change: c.2513T>C on transcript NM_000388.4 (MANE Select); coding-DNA position 2513, T replaced by C.
Protein change: p.Val838Ala; replaces valine 838 with alanine.
Molecular consequence: missense variant.
Genome position (GRCh38, 1-based): chr3:122,284,467, T>C. VCF-style: chr3-122284467-T-C. GRCh37 (hg19) VCF-style: chr3-122003314-T-C.
Other names: c.2543T>C, p.Val848Ala (NM_001178065.2); short protein forms V838A, V848A.
Identifiers: ClinVar variation 2946547 (VCV002946547.3), dbSNP rs2473280457, ClinGen allele CA354160117.

ClinVar aggregate classification (germline): Uncertain significance (1 of 4 stars; one submission).

Conditions:
Familial hypocalciuric hypercalcemia (FHH). Also called: Familial benign hypercalcemia. Identifiers: Orphanet 405, MedGen C1809471, MONDO:0018458.
Autosomal dominant hypocalcemia 1 (HYPOC1). Also called: HYPOCALCEMIA, FAMILIAL. Identifiers: MedGen C3715128, MONDO:0011013, OMIM 601198.

Submission:

Labcorp Genetics (formerly Invitae), Labcorp
Classification: Uncertain significance for Familial hypocalciuric hypercalcemia; Autosomal dominant hypocalcemia 1. Last evaluated: 2023-08-03. Review status: criteria provided, single submitter. Criteria: Invitae Variant Classification Sherloc (09022015). Collection method: clinical testing. Allele origin: germline.
Comment: This variant has not been reported in the literature in individuals affected with CASR-related conditions. This sequence change replaces valine, which is neutral and non-polar, with alanine, which is neutral and non-polar, at codon 838 of the CASR protein (p.Val838Ala). This variant is not present in population databases (gnomAD no frequency). An algorithm developed to predict the effect of missense changes on protein structure and function (PolyPhen-2) suggests that this variant is likely to be tolerated. In summary, the available evidence is currently insufficient to determine the role of this variant in disease. Therefore, it has been classified as a Variant of Uncertain Significance.